The following is an entry in ClinVar:

NM_000138.5(FBN1):c.6640C>G (p.Pro2214Ala)

Gene: FBN1 (fibrillin 1; minus strand). Cytogenetic location: 15q21.1.
Variant type: single nucleotide variant.
Coding change: c.6640C>G on transcript NM_000138.5 (MANE Select); coding-DNA position 6640, C replaced by G.
Protein change: p.Pro2214Ala; replaces proline 2214 with alanine.
Molecular consequence: missense variant.
Genome position (GRCh38, 1-based): chr15:48,432,965, G>C on the plus strand (C>G on the coding strand, the complement: FBN1 is on the minus strand). VCF-style: chr15-48432965-G-C. GRCh37 (hg19) VCF-style: chr15-48725162-G-C.
Other names: short protein forms P2214A.
Identifiers: ClinVar variation 1488677 (VCV001488677.11), dbSNP rs1375370990, ClinGen allele CA392333647.

ClinVar aggregate classification (germline): Uncertain significance. Review status: criteria provided, multiple submitters, no conflicts (2 of 4 stars). 3 submissions from 3 submitters: Uncertain significance (3). Last evaluated 2025-01-15.

Conditions:
Marfan syndrome (MFS). Also called: MARFAN SYNDROME, TYPE I; Marfan syndrome type 1; Marfan's syndrome; Marfan syndrome, classic; FBN1-Related Marfan Syndrome. Identifiers: Orphanet 284963, Orphanet 558, MedGen C0024796, MONDO:0007947, OMIM 154700.
Familial thoracic aortic aneurysm and aortic dissection (TAAD). Also called: Thoracic aortic aneurysms and dissections. Identifiers: Orphanet 91387, MedGen C4707243, MONDO:0019625.
Geleophysic dysplasia 2 (GPHYSD2). Identifiers: Orphanet 2623, MedGen C3280054, MONDO:0013612, OMIM 614185.
Progeroid and marfanoid aspect-lipodystrophy syndrome. Also called: MARFANOID-PROGEROID-LIPODYSTROPHY SYNDROME; MARFANOID-PROGEROID SYNDROME; MARFAN-PROGEROID-LIPODYSTROPHY SYNDROME; Marfan lipodystrophy syndrome. Identifiers: Orphanet 300382, MedGen C4310796, MONDO:0014831, OMIM 616914.
Ectopia lentis 1, isolated, autosomal dominant (ECTOL1). Identifiers: Orphanet 1885, MedGen C3541518, MONDO:0007514, OMIM 129600.
Stiff skin syndrome (SSKS). Identifiers: Orphanet 2833, MedGen C1861456, MONDO:0008492, OMIM 184900.
MASS syndrome (OCTD). Also called: MASS PHENOTYPE; OVERLAP CONNECTIVE TISSUE DISEASE. Identifiers: MedGen C1858556, MONDO:0011431, OMIM 604308.
Acromicric dysplasia (ACMICD). Also called: Acromicric skeletal dysplasia. Identifiers: Orphanet 969, MedGen C0265287, MONDO:0007055, OMIM 102370.
Weill-Marchesani syndrome 2, dominant. Also called: Weill-Marchesani Syndrome, Autosomal Dominant; FBN1-Related Weill-Marchesani Syndrome. Identifiers: Orphanet 2084, MedGen C1869115, MONDO:0012013, OMIM 608328.

Submissions (3):

Dasa
Classification: Uncertain significance. Last evaluated: 2025-01-15. Review status: criteria provided, single submitter. Criteria: DASA Assertion Criteria. Collection method: clinical testing. Allele origin: germline.
Comment: NM_000138.5(FBN1):c.6640C>G (p.Pro2214Ala) is a missense variant that results in the substitution of proline with alanine. This variant is absent from population databases. The currently available literature and clinical evidence are not sufficient to establish a definitive association between this variant and the reported condition. Therefore, this variant is classified as a variant of uncertain significance.

Fulgent Genetics
Classification: Uncertain significance for Acromicric dysplasia; Ectopia lentis 1, isolated, autosomal dominant; Marfan syndrome; Stiff skin syndrome; MASS syndrome; Weill-Marchesani syndrome 2, dominant; Geleophysic dysplasia 2; Progeroid and marfanoid aspect-lipodystrophy syndrome. Last evaluated: 2021-09-15. Review status: criteria provided, single submitter. Criteria: ACMG Guidelines, 2015. Collection method: clinical testing. Allele origin: unknown.

Labcorp Genetics (formerly Invitae), Labcorp
Classification: Uncertain significance for Marfan syndrome; Familial thoracic aortic aneurysm and aortic dissection. Last evaluated: 2021-02-04. Review status: criteria provided, single submitter. Criteria: Invitae Variant Classification Sherloc (09022015). Collection method: clinical testing. Allele origin: germline.
Comment: In summary, the available evidence is currently insufficient to determine the role of this variant in disease. Therefore, it has been classified as a Variant of Uncertain Significance. Algorithms developed to predict the effect of missense changes on protein structure and function are either unavailable or do not agree on the potential impact of this missense change (SIFT: "Deleterious"; PolyPhen-2: "Possibly Damaging"; Align-GVGD: "Class C0"). This variant has not been reported in the literature in individuals with FBN1-related conditions. This variant is not present in population databases (ExAC no frequency). This sequence change replaces proline with alanine at codon 2214 of the FBN1 protein (p.Pro2214Ala). The proline residue is highly conserved and there is a small physicochemical difference between proline and alanine.